The following is an entry in ClinVar:

NM_001378454.1(ALMS1):c.113A>G (p.Asp38Gly)

Gene: ALMS1 (ALMS1 centrosome and basal body associated protein; plus strand). Cytogenetic location: 2p13.1.
Variant type: single nucleotide variant.
Coding change: c.113A>G on transcript NM_001378454.1 (MANE Select); coding-DNA position 113, A replaced by G.
Protein change: p.Asp38Gly; replaces aspartic acid 38 with glycine.
Molecular consequence: missense variant.
Genome position (GRCh38, 1-based): chr2:73,385,981, A>G. VCF-style: chr2-73385981-A-G. GRCh37 (hg19) VCF-style: chr2-73613109-A-G.
Other names: c.116A>G, p.Asp39Gly (NM_015120.4); short protein forms D38G, D39G.
Identifiers: ClinVar variation 3226579 (VCV003226579.4), dbSNP rs1462829116, ClinGen allele CA347250633.

ClinVar aggregate classification (germline): Conflicting classifications of pathogenicity. Review status: criteria provided, conflicting classifications (1 of 4 stars). 3 submissions from 3 submitters: Uncertain significance (1); Likely benign (1). 1 of the submissions does not count toward it. Last evaluated 2024-06-12.

Conditions:
Cardiovascular phenotype. Identifiers: MedGen CN230736.
Alstrom syndrome (ALMS). Identifiers: Orphanet 64, MedGen C0268425, MONDO:0008763, OMIM 203800.

Allele frequency attached by ClinVar (database versions not stated): gnomAD exomes below 0.00001; gnomAD 0.00001.
gnomAD v4.1: 3 of 1,546,998 alleles (0.00019%); highest among the groups gnomAD compares: Admixed American, 0.002%; no homozygotes.

Submissions (3):

Labcorp Genetics (formerly Invitae), Labcorp
Classification: Uncertain significance for Alstrom syndrome. Last evaluated: 2024-06-12. Review status: criteria provided, single submitter. Criteria: Invitae Variant Classification Sherloc (09022015). Collection method: clinical testing. Allele origin: germline.
Comment: This sequence change replaces aspartic acid, which is acidic and polar, with glycine, which is neutral and non-polar, at codon 39 of the ALMS1 protein (p.Asp39Gly). The frequency data for this variant in the population databases is considered unreliable, as metrics indicate poor data quality at this position in the gnomAD database. This variant has not been reported in the literature in individuals affected with ALMS1-related conditions. Experimental studies and prediction algorithms are not available or were not evaluated, and the functional significance of this variant is currently unknown. In summary, the available evidence is currently insufficient to determine the role of this variant in disease. Therefore, it has been classified as a Variant of Uncertain Significance.

Ambry Genetics
Classification: Likely benign for Cardiovascular phenotype. Last evaluated: 2023-12-07. Review status: criteria provided, single submitter. Criteria: Ambry Variant Classification Scheme 2023. Collection method: clinical testing. Allele origin: germline.

Natera, Inc.
Classification: Uncertain significance for Alstrom syndrome. Last evaluated: 2025-04-10. Review status: no assertion criteria provided. Collection method: clinical testing. Allele origin: germline. Not counted in ClinVar's aggregate classification.